The following is an entry in ClinVar:

ClinVar aggregate classification (germline): Pathogenic (1 of 4 stars; one submission).

Conditions:
Sphingolipid activator protein 1 deficiency. Also called: Saposin B Deficiency; METACHROMATIC LEUKODYSTROPHY DUE TO CEREBROSIDE SULFATASE ACTIVATOR DEFICIENCY; Metachromatic leukodystrophy due to saposin B deficiency. Identifiers: Orphanet 512, MedGen C0268262, MONDO:0009590, OMIM 249900.

Allele frequency attached by ClinVar (database versions not stated): gnomAD exomes below 0.00001.

Submission:

Labcorp Genetics (formerly Invitae), Labcorp
Classification: Pathogenic for Sphingolipid activator protein 1 deficiency. Last evaluated: 2025-04-21. Review status: criteria provided, single submitter. Criteria: Invitae Variant Classification Sherloc (09022015). Collection method: clinical testing. Allele origin: germline.
Comment: This sequence change creates a premature translational stop signal (p.Lys351Glufs*29) in the PSAP gene. It is expected to result in an absent or disrupted protein product. Loss-of-function variants in PSAP are known to be pathogenic (PMID: 8554069, 11309366, 17616409, 19267410, 30632081). This variant is not present in population databases (gnomAD no frequency). This variant has not been reported in the literature in individuals affected with PSAP-related conditions. ClinVar contains an entry for this variant (Variation ID: 1989545). For these reasons, this variant has been classified as Pathogenic.

Literature cited by the submitters: PubMed 8554069; PubMed 11309366; PubMed 17616409; PubMed 19267410; PubMed 30632081.

NM_002778.4(PSAP):c.1050dup (p.Lys351fs)

Gene: PSAP (prosaposin; minus strand). Cytogenetic location: 10q22.1.
Variant type: Duplication.
Coding change: c.1050dup on transcript NM_002778.4 (MANE Select); coding-DNA position 1050, one base duplicated (G; older notation c.1050dupG).
Protein change: p.Lys351fs; shifts the reading frame from lysine 351.
Molecular consequence: frameshift variant.
Genome position (GRCh38, 1-based): chr10:71,819,856, C duplicated on the plus strand (G on the coding strand, the reverse complement: PSAP is on the minus strand). VCF-style (leftmost placement, unchanged base first): chr10-71819855-T-TC. GRCh37 (hg19) VCF-style: chr10-73579612-T-TC.
Other names: c.1059dup, p.Lys354fs (NM_001042465.3); c.1056dup, p.Lys353fs (NM_001042466.3); short protein forms K353fs, K354fs, K351fs.
Identifiers: ClinVar variation 1989545 (VCV001989545.4), dbSNP rs2494498363, ClinGen allele CA2580081884.
Genomic context (GRCh38, chr10:71,819,855, plus strand): 5'-TGGACAGGATGGAGCTGCCGTACGTGTCCACCACCTCCTGGCACTCTTCCGACAGGGACT[T>TC]CGGCAGCTTCGAGCACATTTTGTCAAAAGCGTCGAGTATTTCTTTCTGAAACACACGAGA-3'